The following is an entry in ClinVar:

ClinVar aggregate classification (germline): Uncertain significance (1 of 4 stars; one submission).

Submission:

GeneDx
Classification: Uncertain significance. Last evaluated: 2026-03-07. Review status: criteria provided, single submitter. Criteria: GeneDx Variant Classification Process June 2021. Collection method: clinical testing. Allele origin: germline. Affected: yes.
Comment: Deletion involving a gene for which loss of function is not a known mechanism of disease; Reported using an alternate transcript of the gene; Not observed at significant frequency in large population cohorts (gnomAD); Has not been previously published as pathogenic or benign to our knowledge

NM_001854.4(COL11A1):c.898-259dup

Gene: COL11A1 (collagen type XI alpha 1 chain; minus strand). Cytogenetic location: 1p21.1.
Variant type: Duplication.
Coding change: c.898-259dup on transcript NM_001854.4 (MANE Select); 259 bases into the intron before coding-DNA position 898, one base duplicated (C; older notation c.898-259dupC).
Molecular consequence: intron variant. On other transcripts: frameshift variant (1).
Genome position (GRCh38, 1-based): chr1:103,025,872, G duplicated on the plus strand (C on the coding strand, the reverse complement: COL11A1 is on the minus strand); the first of 6 consecutive G bases (chr1:103,025,872-103,025,877); duplicating any one gives the same sequence. VCF-style (leftmost placement, unchanged base first): chr1-103025871-T-TG. GRCh37 (hg19) VCF-style: chr1-103491427-T-TG.
Other names: c.861dup, p.Lys288fs (NM_080629.3); c.781-259dup (NM_001190709.2); c.897+344dup (NM_080630.4); short protein forms K288fs.
Identifiers: ClinVar variation 1314046 (VCV001314046.3), dbSNP rs2101963390, ClinGen allele CA2573051331.
Genomic context (GRCh38, chr1:103,025,871, plus strand): 5'-GTTTGGCTTTTGCTGATGCTTGATAACTTTTCTTCTTCTTGGATGAAAATTTTTCAGATT[T>TG]GGGGGGTGTAAACTTTTTGGATTTTTCCTTTGATTTAGTAGCCACTGTCCTCATCTTCTT-3'